The following is an entry in ClinVar:

ClinVar aggregate classification (germline): Uncertain significance (1 of 4 stars; one submission).

Conditions:
Peroxisome biogenesis disorder 5A (Zellweger) (PBD5A). Identifiers: Orphanet 912, MedGen C3553940, MONDO:0013932, OMIM 614866.

Allele frequency attached by ClinVar (database versions not stated): gnomAD exomes below 0.00001.
gnomAD v4.1: 1 of 1,614,110 alleles (0.000062%); highest among the groups gnomAD compares: Admixed American, 0.0017%; no homozygotes.

Submission:

Labcorp Genetics (formerly Invitae), Labcorp
Classification: Uncertain significance for Peroxisome biogenesis disorder 5A (Zellweger). Last evaluated: 2021-08-07. Review status: criteria provided, single submitter. Criteria: Invitae Variant Classification Sherloc (09022015). Collection method: clinical testing. Allele origin: germline.
Comment: This sequence change replaces phenylalanine with cysteine at codon 203 of the PEX2 protein (p.Phe203Cys). The phenylalanine residue is highly conserved and there is a large physicochemical difference between phenylalanine and cysteine. This variant is not present in population databases (ExAC no frequency). This variant has not been reported in the literature in individuals with PEX2-related conditions. Algorithms developed to predict the effect of missense changes on protein structure and function (SIFT, PolyPhen-2, Align-GVGD) all suggest that this variant is likely to be disruptive, but these predictions have not been confirmed by published functional studies and their clinical significance is uncertain. In summary, the available evidence is currently insufficient to determine the role of this variant in disease. Therefore, it has been classified as a Variant of Uncertain Significance.

NM_000318.3(PEX2):c.608T>G (p.Phe203Cys)

Gene: PEX2 (peroxisomal biogenesis factor 2; minus strand). Cytogenetic location: 8q21.13.
Variant type: single nucleotide variant.
Coding change: c.608T>G on transcript NM_000318.3 (MANE Select); coding-DNA position 608, T replaced by G.
Protein change: p.Phe203Cys; replaces phenylalanine 203 with cysteine.
Molecular consequence: missense variant.
Genome position (GRCh38, 1-based): chr8:76,983,571, A>C on the plus strand (T>G on the coding strand, the complement: PEX2 is on the minus strand). VCF-style: chr8-76983571-A-C. GRCh37 (hg19) VCF-style: chr8-77895807-A-C.
Other names: c.608T>G, p.Phe203Cys (NM_001079867.2, NM_001172086.2, NM_001172087.2); short protein forms F203C.
Identifiers: ClinVar variation 1477958 (VCV001477958.8), dbSNP rs2132043579, ClinGen allele CA371556965.
Genomic context (GRCh38, chr8:76,983,571, plus strand): 5'-CATGAAGACAGCTTGGCTTTCAACTTCTGGACATTGATAAGTGGTAAGAGAAAAATCAGA[A>C]ATTCAGCAAAACCATGCCAGAGAAGTTCCCTATTCATGTATTCAAAGCCAACTTCACATA-3'
Protein context (NP_000309.2, residues 193-213): RELLWHGFAE[Phe203Cys]LIFLLPLINV